The following is an entry in ClinVar:

NM_005732.4(RAD50):c.3868A>G (p.Lys1290Glu)

Genes: TH2LCRR (T helper type 2 locus control region associated RNA; minus strand), RAD50 (RAD50 double strand break repair protein; plus strand). Cytogenetic location: 5q31.1.
Variant type: single nucleotide variant.
Coding change: c.3868A>G on transcript NM_005732.4 (MANE Select); coding-DNA position 3868, A replaced by G.
Protein change: p.Lys1290Glu; replaces lysine 1290 with glutamic acid.
Molecular consequence: missense variant.
Genome position (GRCh38, 1-based): chr5:132,642,293, A>G. VCF-style: chr5-132642293-A-G. GRCh37 (hg19) VCF-style: chr5-131977985-A-G.
Other names: short protein forms K1290E.
Identifiers: ClinVar variation 3019437 (VCV003019437.3), dbSNP rs2149866998, ClinGen allele CA360937056.
Genomic context (GRCh38, chr5:132,642,293, plus strand): 5'-GATGAAGATTTTGTGGAGCTTTTAGGACGTTCTGAATATGTGGAGAAATTCTACAGGATT[A>G]AAAAGAACATCGATCAGTGCTCAGAGATTGTGAAATGCAGTGTTAGCTCCCTGGGATTCA-3'
Protein context (NP_005723.2, residues 1280-1300): SEYVEKFYRI[Lys1290Glu]KNIDQCSEIV

ClinVar aggregate classification (germline): Uncertain significance (1 of 4 stars; one submission).

Conditions:
Hereditary cancer-predisposing syndrome. Also called: Tumor predisposition; Hereditary neoplastic syndrome; Hereditary Cancer Syndrome; Neoplastic Syndromes, Hereditary. Identifiers: Orphanet 140162, MedGen C0027672, MeSH D009386, MONDO:0015356.

Submission:

Labcorp Genetics (formerly Invitae), Labcorp
Classification: Uncertain significance for Hereditary cancer-predisposing syndrome. Last evaluated: 2023-08-05. Review status: criteria provided, single submitter. Criteria: Invitae Variant Classification Sherloc (09022015). Collection method: clinical testing. Allele origin: germline.
Comment: This sequence change replaces lysine, which is basic and polar, with glutamic acid, which is acidic and polar, at codon 1290 of the RAD50 protein (p.Lys1290Glu). This variant is not present in population databases (gnomAD no frequency). This variant has not been reported in the literature in individuals affected with RAD50-related conditions. Advanced modeling of protein sequence and biophysical properties (such as structural, functional, and spatial information, amino acid conservation, physicochemical variation, residue mobility, and thermodynamic stability) performed at Invitae indicates that this missense variant is not expected to disrupt RAD50 protein function. In summary, the available evidence is currently insufficient to determine the role of this variant in disease. Therefore, it has been classified as a Variant of Uncertain Significance.